The following is an entry in ClinVar:

NM_002137.4(HNRNPA2B1):c.964+5T>G

Gene: HNRNPA2B1 (heterogeneous nuclear ribonucleoprotein A2/B1; minus strand). Cytogenetic location: 7p15.2.
Variant type: single nucleotide variant.
Coding change: c.964+5T>G on transcript NM_002137.4 (MANE Select); 5 bases into the intron after coding-DNA position 964, T replaced by G.
Molecular consequence: intron variant.
Genome position (GRCh38, 1-based): chr7:26,193,246, A>C on the plus strand (T>G on the coding strand, the complement: HNRNPA2B1 is on the minus strand). VCF-style: chr7-26193246-A-C. GRCh37 (hg19) VCF-style: chr7-26232866-A-C.
Other names: c.844+5T>G (NM_001438578.1, NM_001438576.1, NM_001438575.1 and 1 more transcripts); c.964+5T>G (NM_001438571.1, NM_001438572.1, NM_001438063.1); c.880+5T>G (NM_001438574.1, NM_001438573.1); c.1000+5T>G (NM_001438568.1, NM_001438570.1, NM_001438569.1 and 1 more transcripts).
Identifiers: ClinVar variation 858196 (VCV000858196.7), dbSNP rs878989290, ClinGen allele CA573758217.

ClinVar aggregate classification (germline): Uncertain significance (1 of 4 stars; one submission).

Conditions:
Inclusion body myopathy with early-onset Paget disease with or without frontotemporal dementia 2 (IBMPFD2). Also called: MULTISYSTEM PROTEINOPATHY 2. Identifiers: MedGen C3809468, MONDO:0014178, OMIM 615422.

Allele frequency attached by ClinVar (database versions not stated): gnomAD 0.00001; gnomAD exomes 0.00001.
gnomAD v4.1: 4 of 1,606,092 alleles (0.00025%); highest among the groups gnomAD compares: Non-Finnish European, 0.00034%; no homozygotes.

Submission:

Labcorp Genetics (formerly Invitae), Labcorp
Classification: Uncertain significance for Inclusion body myopathy with early-onset Paget disease with or without frontotemporal dementia 2. Last evaluated: 2020-08-16. Review status: criteria provided, single submitter. Criteria: Invitae Variant Classification Sherloc (09022015). Collection method: clinical testing. Allele origin: germline.
Comment: In summary, the available evidence is currently insufficient to determine the role of this variant in disease. Therefore, it has been classified as a Variant of Uncertain Significance. This sequence change falls in intron 10 of the HNRNPA2B1 gene. It does not directly change the encoded amino acid sequence of the HNRNPA2B1 protein, but it affects a nucleotide within the consensus splice site of the intron. This variant is not present in population databases (ExAC no frequency). This variant has not been reported in the literature in individuals with HNRNPA2B1-related conditions. Nucleotide substitutions within the consensus splice site are a relatively common cause of aberrant splicing (PMID: 17576681, 9536098). Algorithms developed to predict the effect of sequence changes on RNA splicing suggest that this variant may create or strengthen a splice site, but this prediction has not been confirmed by published transcriptional studies.

Literature cited by the submitters: PubMed 17576681; PubMed 9536098.